The following is an entry in ClinVar:

NM_031885.5(BBS2):c.-40T>C

Gene: BBS2 (Bardet-Biedl syndrome 2; minus strand). Cytogenetic location: 16q13.
Variant type: single nucleotide variant.
Coding change: c.-40T>C on transcript NM_031885.5 (MANE Select); 40 bases upstream of the start codon, T replaced by C.
Molecular consequence: 5 prime UTR variant. On other transcripts: non-coding transcript variant (5).
Genome position (GRCh38, 1-based): chr16:56,519,902, A>G on the plus strand (T>C on the coding strand, the complement: BBS2 is on the minus strand). VCF-style: chr16-56519902-A-G. GRCh37 (hg19) VCF-style: chr16-56553814-A-G.
Other names: c.-40T>C (NM_001377456.1).
Identifiers: ClinVar variation 261977 (VCV000261977.12), dbSNP rs115078074, ClinGen allele CA8066171.
Genomic context (GRCh38, chr16:56,519,902, plus strand): 5'-GGTGAACACAGGCAGCAGCATGATGGCGGCGGCTTAGGGGAGGAGGGCTGGAAGCTGGAG[A>G]CAAGCGCAGCGGAGCTGGCCTCACGCGCCCGGGCAAGAAGTGCAGGGACACTACCTGCGC-3'

ClinVar aggregate classification (germline): Benign/Likely benign. Review status: criteria provided, multiple submitters, no conflicts (2 of 4 stars). 6 submissions from 5 submitters: Benign (4); Likely benign (2). Last evaluated 2021-06-10.

Conditions:
Retinitis pigmentosa 74 (RP74). Identifiers: Orphanet 791, MedGen C4225281, MONDO:0014692, OMIM 616562.
Bardet-Biedl syndrome 2 (BBS2). Identifiers: Orphanet 110, MedGen C2936863, MONDO:0014432, OMIM 615981.

Allele frequency attached by ClinVar (database versions not stated): gnomAD exomes 0.05027 and 0.06836; ExAC 0.07093; TOPMed 0.07934; ESP Exome Variant Server 0.06452; gnomAD 0.07623 and 0.07807; 1000 Genomes Project 0.11701; 1000 Genomes Project 30x 0.11836.
gnomAD v4.1: 82,878 of 1,553,382 alleles (5.3%); highest among the groups gnomAD compares: African/African-American, 15%; 3,383 homozygotes.

Submissions (6):

Genome-Nilou Lab
Classification: Benign for Bardet-Biedl syndrome 2. Last evaluated: 2021-06-10. Review status: criteria provided, single submitter. Criteria: ACMG Guidelines, 2015. Collection method: clinical testing. Allele origin: germline. Affected: no.

Genome-Nilou Lab
Classification: Benign for Retinitis pigmentosa 74. Last evaluated: 2021-06-10. Review status: criteria provided, single submitter. Criteria: ACMG Guidelines, 2015. Collection method: clinical testing. Allele origin: germline. Affected: no.

GeneDx
Classification: Benign. Last evaluated: 2021-05-10. Review status: criteria provided, single submitter. Criteria: GeneDx Variant Classification Process June 2021. Collection method: clinical testing. Allele origin: germline. Affected: yes.

Illumina Laboratory Services, Illumina
Classification: Benign for Bardet-Biedl syndrome 2. Last evaluated: 2018-01-13. Review status: criteria provided, single submitter. Criteria: ICSL Variant Classification Criteria 13 December 2019. Collection method: clinical testing. Allele origin: germline.
Comment: This variant was observed in the ICSL laboratory as part of a predisposition screen in an ostensibly healthy population. It had not been previously curated by ICSL or reported in the Human Gene Mutation Database (HGMD: prior to June 1st, 2018), and was therefore a candidate for classification through an automated scoring system. Utilizing variant allele frequency, disease prevalence and penetrance estimates, and inheritance mode, an automated score was calculated to assess if this variant is too frequent to cause the disease. Based on the score and internal cut-off values, a variant classified as benign is not then subjected to further curation. The score for this variant resulted in a classification of benign for this disease.

Breakthrough Genomics
Classification: Likely benign. Review status: criteria provided, single submitter. Criteria: ACMG Guidelines, 2015. Collection method: not provided. Allele origin: germline. Inheritance: Autosomal recessive inheritance. Affected: yes.

PreventionGenetics, part of Exact Sciences
Classification: Likely benign. Review status: criteria provided, single submitter. Criteria: ACMG Guidelines, 2015. Collection method: clinical testing. Allele origin: germline.